The following is an entry in ClinVar:

ClinVar aggregate classification (germline): Uncertain significance (1 of 4 stars; one submission).

Allele frequency attached by ClinVar (database versions not stated): gnomAD exomes below 0.00001.
gnomAD v4.1: 2 of 1,614,184 alleles (0.00012%); highest among the groups gnomAD compares: Admixed American, 0.0017%; no homozygotes.

Submission:

Labcorp Genetics (formerly Invitae), Labcorp
Classification: Uncertain significance. Last evaluated: 2022-07-19. Review status: criteria provided, single submitter. Criteria: Invitae Variant Classification Sherloc (09022015). Collection method: clinical testing. Allele origin: germline.
Comment: In summary, the available evidence is currently insufficient to determine the role of this variant in disease. Therefore, it has been classified as a Variant of Uncertain Significance. Algorithms developed to predict the effect of missense changes on protein structure and function are either unavailable or do not agree on the potential impact of this missense change (SIFT: "Not Available"; PolyPhen-2: "Benign"; Align-GVGD: "Not Available"). ClinVar contains an entry for this variant (Variation ID: 1371558). This variant has not been reported in the literature in individuals affected with EGF-related conditions. This variant is not present in population databases (gnomAD no frequency). This sequence change replaces histidine, which is basic and polar, with arginine, which is basic and polar, at codon 275 of the EGF protein (p.His275Arg).

NM_001963.6(EGF):c.824A>G (p.His275Arg)

Gene: EGF (epidermal growth factor; plus strand). Cytogenetic location: 4q25.
Variant type: single nucleotide variant.
Coding change: c.824A>G on transcript NM_001963.6 (MANE Select); coding-DNA position 824, A replaced by G.
Protein change: p.His275Arg; replaces histidine 275 with arginine.
Molecular consequence: missense variant.
Genome position (GRCh38, 1-based): chr4:109,945,159, A>G. VCF-style: chr4-109945159-A-G. GRCh37 (hg19) VCF-style: chr4-110866315-A-G.
Other names: c.824A>G, p.His275Arg (NM_001178130.3, NM_001178131.3, NM_001357021.2); short protein forms H275R.
Identifiers: ClinVar variation 1371558 (VCV001371558.6), dbSNP rs2126012395, ClinGen allele CA357877270.
Genomic context (GRCh38, chr4:109,945,159, plus strand): 5'-TTGGTGACCGTATCTTCTATTCAACATGGAAAATGAAGACAATTTGGATAGCCAACAAAC[A>G]CACTGGAAAGGACATGGTTAGAATTAACCTCCATTCATCATTTGTACCACTTGGTGAACT-3'
Protein context (NP_001954.2, residues 265-285): KMKTIWIANK[His275Arg]TGKDMVRINL